The following is an entry in ClinVar:

NM_000195.5(HPS1):c.1766C>T (p.Ala589Val)

Gene: HPS1 (HPS1 biogenesis of lysosomal organelles complex 3 subunit 1; minus strand). Cytogenetic location: 10q24.2.
Variant type: single nucleotide variant.
Coding change: c.1766C>T on transcript NM_000195.5 (MANE Select); coding-DNA position 1766, C replaced by T.
Protein change: p.Ala589Val; replaces alanine 589 with valine.
Molecular consequence: missense variant.
Genome position (GRCh38, 1-based): chr10:98,420,136, G>A on the plus strand (C>T on the coding strand, the complement: HPS1 is on the minus strand). VCF-style: chr10-98420136-G-A. GRCh37 (hg19) VCF-style: chr10-100179893-G-A.
Other names: c.794C>T, p.Ala265Val (NM_001311345.2, NM_001322487.2, NM_001322489.2); c.1766C>T, p.Ala589Val (NM_001322476.2, NM_001322477.2); c.1667C>T, p.Ala556Val (NM_001322478.2, NM_001322479.2); c.1505C>T, p.Ala502Val (NM_001322480.2, NM_001322481.2); c.1406C>T, p.Ala469Val (NM_001322482.2); c.1397C>T, p.Ala466Val (NM_001322483.2, NM_001322484.2); c.1298C>T, p.Ala433Val (NM_001322485.2); c.1766C>T (NM_000195.4); short protein forms A265V, A433V, A466V, A469V, A502V, A556V, A589V.
Identifiers: ClinVar variation 1063997 (VCV001063997.6), dbSNP rs528827909, ClinGen allele CA5638891.
Genomic context (GRCh38, chr10:98,420,136, plus strand): 5'-CAGTAGAAATCCCCCTCCTGGAACAGCAGCGTGGTGTAGCCCTTCTGCAGGTATCTGCGC[G>A]CCAGCTGGATCAGAGACCAGACCTGGGGAAAAGACAGCAAGCATCACCACTCTCCCAGCC-3'
Protein context (NP_000186.2, residues 579-599): KTKVWSLIQL[Ala589Val]RRYLQKGYTT

ClinVar aggregate classification (germline): Uncertain significance. Review status: criteria provided, multiple submitters, no conflicts (2 of 4 stars). 4 submissions from 4 submitters: Uncertain significance (3). 1 of the submissions does not count toward it. Last evaluated 2026-06-24.

Conditions:
Hermansky-Pudlak syndrome 1 (HPS1). Also called: DELTA STORAGE POOL DISEASE. Identifiers: Orphanet 231500, Orphanet 79430, MedGen C2931875, MONDO:0008748, OMIM 203300.
Hermansky-Pudlak syndrome (HPS). Also called: ALBINISM WITH HEMORRHAGIC DIATHESIS AND PIGMENTED RETICULOENDOTHELIAL CELLS. Identifiers: Orphanet 79430, MedGen C0079504, MONDO:0019312.
HPS1-related disorder. Also called: HPS1-related condition.

Allele frequency attached by ClinVar (database versions not stated): gnomAD exomes 0.00004 and 0.00007; gnomAD 0.00009; ExAC 0.00010; TOPMed 0.00010; 1000 Genomes Project 30x 0.00016; 1000 Genomes Project 0.00020.

Submissions (4):

PreventionGenetics, part of Exact Sciences
Classification: Uncertain significance for HPS1-related condition. Last evaluated: 2026-06-24. Review status: criteria provided, single submitter. Criteria: ACMG Guidelines, 2015. Collection method: clinical testing. Allele origin: germline.
Comment: The HPS1 c.1766C>T variant is predicted to result in the amino acid substitution p.Ala589Val. This variant was reported in a large cohort of individuals with albinism (supplementary data, Wei et al. 2022. PubMed ID: 34838614). This variant is reported in 0.040% of alleles in individuals of East Asian descent in gnomAD. At this time, the clinical significance of this variant is uncertain due to the absence of conclusive functional and genetic evidence.

Fulgent Genetics
Classification: Uncertain significance for Hermansky-Pudlak syndrome 1. Last evaluated: 2024-04-19. Review status: criteria provided, single submitter. Criteria: ACMG Guidelines, 2015. Collection method: clinical testing. Allele origin: germline.

Labcorp Genetics (formerly Invitae), Labcorp
Classification: Uncertain significance. Last evaluated: 2022-06-11. Review status: criteria provided, single submitter. Criteria: Invitae Variant Classification Sherloc (09022015). Collection method: clinical testing. Allele origin: germline.
Comment: This sequence change replaces alanine, which is neutral and non-polar, with valine, which is neutral and non-polar, at codon 589 of the HPS1 protein (p.Ala589Val). This variant is present in population databases (rs528827909, gnomAD 0.04%). This variant has not been reported in the literature in individuals affected with HPS1-related conditions. ClinVar contains an entry for this variant (Variation ID: 1063997). Algorithms developed to predict the effect of missense changes on protein structure and function are either unavailable or do not agree on the potential impact of this missense change (SIFT: "Deleterious"; PolyPhen-2: "Probably Damaging"; Align-GVGD: "Class C0"). Algorithms developed to predict the effect of sequence changes on RNA splicing suggest that this variant may create or strengthen a splice site. In summary, the available evidence is currently insufficient to determine the role of this variant in disease. Therefore, it has been classified as a Variant of Uncertain Significance.

Natera, Inc.
Classification: Uncertain significance for Hermansky-Pudlak syndrome. Last evaluated: 2020-03-31. Review status: no assertion criteria provided. Collection method: clinical testing. Allele origin: germline. Not counted in ClinVar's aggregate classification.